The following is an entry in ClinVar:

ClinVar aggregate classification (germline): Uncertain significance (1 of 4 stars; one submission).

Conditions:
FOXH1-related disorder. Also called: FOXH1-related condition.

Allele frequency attached by ClinVar (database versions not stated): gnomAD exomes below 0.00001; gnomAD 0.00001; TOPMed 0.00001; ESP Exome Variant Server 0.00008.

Submission:

PreventionGenetics, part of Exact Sciences
Classification: Uncertain significance for FOXH1-related condition. Last evaluated: 2022-12-14. Review status: criteria provided, single submitter. Criteria: ACMG Guidelines, 2015. Collection method: clinical testing. Allele origin: germline.
Comment: The FOXH1 c.932G>A variant is predicted to result in premature protein termination (p.Trp311*). To our knowledge, this variant has not been reported in the literature or in a large population database, indicating this variant is rare. Several truncating variants in FOXH1 have been reported in individuals with congenital heart defects (Roessler et al. 2008. PubMed ID: 18538293). Although we suspect that this variant may be pathogenic, at this time, the clinical significance of this variant is uncertain due to the absence of conclusive functional and genetic evidence.

NM_003923.3(FOXH1):c.932G>A (p.Trp311Ter)

Gene: FOXH1 (forkhead box H1; minus strand). Cytogenetic location: 8q24.3.
Variant type: single nucleotide variant.
Coding change: c.932G>A on transcript NM_003923.3 (MANE Select); coding-DNA position 932, G replaced by A.
Protein change: p.Trp311Ter; replaces tryptophan 311 with a stop codon.
Molecular consequence: nonsense.
Genome position (GRCh38, 1-based): chr8:144,474,404, C>T on the plus strand (G>A on the coding strand, the complement: FOXH1 is on the minus strand). VCF-style: chr8-144474404-C-T. GRCh37 (hg19) VCF-style: chr8-145699787-C-T.
Other names: short protein forms W311*.
Identifiers: ClinVar variation 2630017 (VCV002630017.1), dbSNP rs375647894, ClinGen allele CA187724583.